The following is an entry in ClinVar:

NM_001370466.1(NOD2):c.-8-2194T>G

Gene: NOD2 (nucleotide binding oligomerization domain containing 2; plus strand). Cytogenetic location: 16q12.1.
Variant type: single nucleotide variant.
Coding change: c.-8-2194T>G on transcript NM_001370466.1 (MANE Select); 2194 bases into the intron before 8 bases upstream of the start codon, T replaced by G.
Molecular consequence: intron variant. On other transcripts: missense variant (1).
Genome position (GRCh38, 1-based): chr16:50,697,294, T>G. VCF-style: chr16-50697294-T-G. GRCh37 (hg19) VCF-style: chr16-50731205-T-G.
Other names: c.51T>G, p.Ser17Arg (NM_022162.3); short protein forms S17R.
Identifiers: ClinVar variation 4788762 (VCV004788762.1).
Genomic context (GRCh38, chr16:50,697,294, plus strand): 5'-ATGGGCTTTGATGGGGGAAGAGGGTGGTTCAGCCTCTCACGATGAGGAGGAAAGAGCAAG[T>G]GTCCTCCTCGGACATTCTCCGGGTAAGAGGAGCAGGCATTGTCCCGTCCCAGCTTGATCC-3'

ClinVar aggregate classification (germline): Uncertain significance (1 of 4 stars; one submission).

Conditions:
Regional enteritis. Also called: Enteritis, Granulomatous. Identifiers: MedGen C0678202, MeSH D003424.
Blau syndrome (BLAUS). Also called: ARTHROCUTANEOUVEAL GRANULOMATOSIS; GRANULOMATOSIS, FAMILIAL JUVENILE SYSTEMIC; GRANULOMATOSIS, FAMILIAL, BLAU TYPE; GRANULOMATOUS INFLAMMATORY ARTHRITIS, DERMATITIS, AND UVEITIS, FAMILIAL; JABS SYNDROME. Identifiers: Orphanet 90340, MedGen C5201146, MONDO:0008523, OMIM 186580.

gnomAD v4.1: 2 of 1,559,504 alleles (0.00013%); highest among the groups gnomAD compares: African/African-American, 0.0014%; no homozygotes.

Submission:

Labcorp Genetics (formerly Invitae), Labcorp
Classification: Uncertain significance for Regional enteritis; Blau syndrome. Last evaluated: 2025-12-15. Review status: criteria provided, single submitter. Criteria: Invitae Variant Classification Sherloc (09022015). Collection method: clinical testing. Allele origin: germline.
Comment: This sequence change replaces serine, which is neutral and polar, with arginine, which is basic and polar, at codon 17 of the NOD2 protein (p.Ser17Arg). This variant is not present in population databases (gnomAD no frequency). This variant has not been reported in the literature in individuals affected with NOD2-related conditions. Invitae Evidence Modeling of protein sequence and biophysical properties (such as structural, functional, and spatial information, amino acid conservation, physicochemical variation, residue mobility, and thermodynamic stability) has been performed for this missense variant. However, the output from this modeling did not meet the statistical confidence thresholds required to predict the impact of this variant on NOD2 protein function. In summary, the available evidence is currently insufficient to determine the role of this variant in disease. Therefore, it has been classified as a Variant of Uncertain Significance.